The following is an entry in ClinVar:

ClinVar aggregate classification (germline): Pathogenic (1 of 4 stars; one submission).

Conditions:
Primary ciliary dyskinesia. Also called: Ciliary dyskinesia. Identifiers: Orphanet 244, MedGen C0008780, MONDO:0016575, HP:0012265.

Submission:

Labcorp Genetics (formerly Invitae), Labcorp
Classification: Pathogenic for Primary ciliary dyskinesia. Last evaluated: 2023-12-12. Review status: criteria provided, single submitter. Criteria: Invitae Variant Classification Sherloc (09022015). Collection method: clinical testing. Allele origin: germline.
Comment: This sequence change affects a donor splice site in intron 61 of the DNAH11 gene. It is expected to disrupt RNA splicing. Variants that disrupt the donor or acceptor splice site typically lead to a loss of protein function (PMID: 16199547), and loss-of-function variants in DNAH11 are known to be pathogenic (PMID: 18022865, 20513915, 22184204). This variant is not present in population databases (gnomAD no frequency). Disruption of this splice site has been observed in individual(s) with heterotaxy (Invitae). In at least one individual the data is consistent with being in trans (on the opposite chromosome) from a pathogenic variant. Algorithms developed to predict the effect of sequence changes on RNA splicing suggest that this variant may disrupt the consensus splice site. For these reasons, this variant has been classified as Pathogenic.

Literature cited by the submitters: PubMed 16199547; PubMed 18022865; PubMed 20513915; PubMed 22184204.

NM_001277115.2(DNAH11):c.10026+1G>A

Gene: DNAH11 (dynein axonemal heavy chain 11; plus strand). Cytogenetic location: 7p15.3.
Variant type: single nucleotide variant.
Coding change: c.10026+1G>A on transcript NM_001277115.2 (MANE Select); the canonical splice donor site of the intron after coding-DNA position 10026, G replaced by A.
Molecular consequence: splice donor variant.
Genome position (GRCh38, 1-based): chr7:21,789,343, G>A. VCF-style: chr7-21789343-G-A. GRCh37 (hg19) VCF-style: chr7-21828961-G-A.
Identifiers: ClinVar variation 2730990 (VCV002730990.3), dbSNP rs2535272453, ClinGen allele CA366942494.
Genomic context (GRCh38, chr7:21,789,343, plus strand): 5'-GCAAACTTAGAACTGGCTGCAGCTACTGAAAAACTAGAGGCTATCAGGAAAAAGCTTGTG[G>A]TGAGTGCAAACTATGACATTGAAAAGGTTCCCAAGAGGTGGTCGCTGCCTCCACCTTAGG-3'